The following is an entry in ClinVar:

ClinVar aggregate classification (germline): Likely pathogenic (1 of 4 stars; one submission).

Submission:

Clinical Genomics Laboratory, Laboratory for Precision Diagnostics, University of Washington
Classification: Likely pathogenic. Last evaluated: 2025-07-21. Review status: criteria provided, single submitter. Criteria: ACMG/ClinGen CNV Guidelines, 2019. Collection method: clinical testing. Allele origin: unknown. Affected: yes. Observed: 1 variant allele.
Comment: This deletion is approximately 1.16Mb in size and contains 10 protein-coding genes. This deletion interval encompasses the 16p13.11 recurrent deletion region (BP2-BP3). Chromosome microdeletions 16p13.11 are associated with variable clinical presentations including epilepsy, developmental delay, autism, intellectual disability, microcephaly and/or distinctive facial features. This deletion also appears in healthy control populations and is sometimes inherited from an unaffected parent, indicating incomplete penetrance. The expression of any phenotype associated with this deletion has been estimated to be between 13-17% (Clingen).

Literature cited by the submitters: PubMed 25920948; PubMed 27436264; PubMed 18550696; PubMed 21150890; PubMed 24105370.

GRCh38/hg38 16p13.11(chr16:15036113-16198126)x1

Genes: ABCC1 (ATP binding cassette subfamily C member 1 (ABCC1 blood group); plus strand), ABCC6 (ATP binding cassette subfamily C member 6; minus strand), BMERB1 (bMERB domain containing 1; plus strand), CEP20 (centrosomal protein 20; minus strand), MARF1 (meiosis regulator and mRNA stability factor 1; minus strand) and 29 more. Cytogenetic location: 16p13.11.
Variant type: copy number loss.
Change: copy number 1 (one copy instead of two) of chr16:15,036,113-16,198,126 (1.16 Mb, GRCh38 coordinates, 1-based), cytogenetic band 16p13.11.
Identifiers: ClinVar variation 5038303 (VCV005038303.1).